The following is an entry in ClinVar:

ClinVar aggregate classification (germline): Uncertain significance (1 of 4 stars; one submission).

Conditions:
Congenital myasthenic syndrome 15. Also called: Myasthenic syndrome, congenital, 15, without tubular aggregates. Identifiers: Orphanet 353327, Orphanet 590, MedGen C4015596, MONDO:0014542, OMIM 616227.

Submission:

Labcorp Genetics (formerly Invitae), Labcorp
Classification: Uncertain significance for Congenital myasthenic syndrome 15. Last evaluated: 2022-10-17. Review status: criteria provided, single submitter. Criteria: Invitae Variant Classification Sherloc (09022015). Collection method: clinical testing. Allele origin: germline.
Comment: This variant has not been reported in the literature in individuals affected with ALG14-related conditions. In summary, the available evidence is currently insufficient to determine the role of this variant in disease. Therefore, it has been classified as a Variant of Uncertain Significance. Algorithms developed to predict the effect of missense changes on protein structure and function output the following: SIFT: "Tolerated"; PolyPhen-2: "Benign"; Align-GVGD: "Class C0". The proline amino acid residue is found in multiple mammalian species, which suggests that this missense change does not adversely affect protein function. This variant is not present in population databases (gnomAD no frequency). This sequence change replaces serine, which is neutral and polar, with proline, which is neutral and non-polar, at codon 28 of the ALG14 protein (p.Ser28Pro).

NM_144988.4(ALG14):c.82T>C (p.Ser28Pro)

Genes: ALG14 (ALG14 UDP-N-acetylglucosaminyltransferase subunit; minus strand), LOC129930989 (ATAC-STARR-seq lymphoblastoid active region 1353; plus strand). Cytogenetic location: 1p21.3.
Variant type: single nucleotide variant.
Coding change: c.82T>C on transcript NM_144988.4 (MANE Select); coding-DNA position 82, T replaced by C.
Protein change: p.Ser28Pro; replaces serine 28 with proline.
Molecular consequence: missense variant. On other transcripts: non-coding transcript variant (1).
Genome position (GRCh38, 1-based): chr1:95,072,817, A>G on the plus strand (T>C on the coding strand, the complement: ALG14 is on the minus strand). VCF-style: chr1-95072817-A-G. GRCh37 (hg19) VCF-style: chr1-95538373-A-G.
Other names: c.82T>C, p.Ser28Pro (NM_001305242.2); short protein forms S28P.
Identifiers: ClinVar variation 2133701 (VCV002133701.4), dbSNP rs2525879663, ClinGen allele CA341367188.